The following is an entry in ClinVar:

NM_017654.4(SAMD9):c.1009A>G (p.Lys337Glu)

Gene: SAMD9 (sterile alpha motif domain containing 9; minus strand). Cytogenetic location: 7q21.2.
Variant type: single nucleotide variant.
Coding change: c.1009A>G on transcript NM_017654.4 (MANE Select); coding-DNA position 1009, A replaced by G.
Protein change: p.Lys337Glu; replaces lysine 337 with glutamic acid.
Molecular consequence: missense variant.
Genome position (GRCh38, 1-based): chr7:93,105,089, T>C on the plus strand (A>G on the coding strand, the complement: SAMD9 is on the minus strand). VCF-style: chr7-93105089-T-C. GRCh37 (hg19) VCF-style: chr7-92734402-T-C.
Other names: c.1009A>G, p.Lys337Glu (NM_001193307.2); short protein forms K337E.
Identifiers: ClinVar variation 3949611 (VCV003949611.1).

ClinVar aggregate classification (germline): Uncertain significance (1 of 4 stars; one submission).

Conditions:
Inborn genetic diseases. Identifiers: MedGen C0950123, MeSH D030342.

Submission:

Ambry Genetics
Classification: Uncertain significance for Inborn genetic diseases. Last evaluated: 2025-05-06. Review status: criteria provided, single submitter. Criteria: Ambry Variant Classification Scheme 2023. Collection method: clinical testing. Allele origin: germline.
Comment: The p.K337E variant (also known as c.1009A>G), located in coding exon 1 of the SAMD9 gene, results from an A to G substitution at nucleotide position 1009. The lysine at codon 337 is replaced by glutamic acid, an amino acid with similar properties. This amino acid position is conserved. In addition, this alteration is predicted to be tolerated by in silico analysis. Based on the available evidence, the clinical significance of this variant remains unclear.